The following is an entry in ClinVar:

NC_000012.12:g.(?_132624697)_(132687315_?)dup

Gene: POLE (DNA polymerase epsilon, catalytic subunit; minus strand). Cytogenetic location: 12q24.33.
Variant type: Duplication.
Identifiers: ClinVar variation 832767 (VCV000832767.1).

ClinVar aggregate classification (germline): Uncertain significance (1 of 4 stars; one submission).

Conditions:
Colorectal cancer, susceptibility to, 12 (CRCS12). Also called: COLORECTAL CANCER, SUSCEPTIBILITY TO, ON CHROMOSOME 12q24. Identifiers: Orphanet 220460, MedGen C3554460, MONDO:0014038, OMIM 615083.

Submission:

Labcorp Genetics (formerly Invitae), Labcorp
Classification: Uncertain significance for Colorectal cancer, susceptibility to, 12. Last evaluated: 2019-12-04. Review status: criteria provided, single submitter. Criteria: Invitae Variant Classification Sherloc (09022015). Collection method: clinical testing. Allele origin: germline.
Comment: This variant results in a copy number gain of the genomic region encompassing the full coding sequence of the POLE gene. The boundaries of this event are unknown as they extend beyond the assayed region for this gene and therefore may encompass additional genes. As the precise location of this event is unknown, it may be in tandem or it may be located elsewhere in the genome. This variant has not been reported in the literature in individuals with POLE-related disease. In summary, the available evidence is currently insufficient to determine the role of this variant in disease. Therefore, it has been classified as a Variant of Uncertain Significance.